The following is an entry in ClinVar:

ClinVar aggregate classification (germline): Likely benign (1 of 4 stars; one submission).

Submission:

Mayo Clinic Laboratories, Mayo Clinic
Classification: Likely benign. Last evaluated: 2025-11-01. Review status: criteria provided, single submitter. Criteria: ACMG Guidelines, 2015. Collection method: clinical testing. Allele origin: germline. Observed: 1 variant allele.
Comment: BP4, BP7

NM_021830.5(TWNK):c.666A>G (p.Leu222=)

Gene: TWNK (twinkle mtDNA helicase; plus strand). Cytogenetic location: 10q24.31.
Variant type: single nucleotide variant.
Coding change: c.666A>G on transcript NM_021830.5 (MANE Select); coding-DNA position 666, A replaced by G.
Protein change: p.Leu222=; no amino-acid change (leucine 222 retained).
Molecular consequence: synonymous variant. On other transcripts: non-coding transcript variant (4), intron variant (3).
Genome position (GRCh38, 1-based): chr10:100,988,876, A>G. VCF-style: chr10-100988876-A-G. GRCh37 (hg19) VCF-style: chr10-102748633-A-G.
Other names: p.Leu222=; c.666A>G, p.Leu222= (NM_001163812.2); c.-119-768A>G (NM_001163814.2, NM_001163813.2); c.-57-830A>G (NM_001368275.1).
Identifiers: ClinVar variation 4683537 (VCV004683537.1).